The following is an entry in ClinVar:

NM_005670.4(EPM2A):c.217C>G (p.Gln73Glu)

Genes: EPM2A (EPM2A glucan phosphatase, laforin; minus strand), EPM2A-DT (EPM2A divergent transcript; plus strand), LOC129997381 (ATAC-STARR-seq lymphoblastoid silent region 17642; plus strand). Cytogenetic location: 6q24.3.
Variant type: single nucleotide variant.
Coding change: c.217C>G on transcript NM_005670.4 (MANE Select); coding-DNA position 217, C replaced by G.
Protein change: p.Gln73Glu; replaces glutamine 73 with glutamic acid.
Molecular consequence: missense variant. On other transcripts: 5 prime UTR variant (3), intron variant (1).
Genome position (GRCh38, 1-based): chr6:145,735,282, G>C on the plus strand (C>G on the coding strand, the complement: EPM2A is on the minus strand). VCF-style: chr6-145735282-G-C. GRCh37 (hg19) VCF-style: chr6-146056418-G-C.
Other names: c.217C>G, p.Gln73Glu (NM_001018041.2, NM_001360057.2, NM_001368130.1); c.-453C>G (NM_001360071.2); c.-407C>G (NM_001368129.2); c.-151C>G (NM_001368131.1); c.-114+626C>G (NM_001360064.2); short protein forms Q73E.
Identifiers: ClinVar variation 1481685 (VCV001481685.8), dbSNP rs1165179833, ClinGen allele CA366188018.

ClinVar aggregate classification (germline): Uncertain significance (1 of 4 stars; one submission).

Conditions:
Progressive myoclonic epilepsy. Also called: Familial progressive myoclonic epilepsy; Myoclonic Epilepsies, Progressive; Myoclonus epilepsy; Progressive myoclonus epilepsy. Identifiers: Orphanet 308, Orphanet 98261, MedGen C0751778, MONDO:0020074.

Allele frequency attached by ClinVar (database versions not stated): gnomAD 0.00001; 1000 Genomes Project 30x 0.00016.
gnomAD v4.1: 1 of 1,494,698 alleles (0.000067%); highest among the groups gnomAD compares: East Asian, 0.0028%; no homozygotes.

Submission:

Labcorp Genetics (formerly Invitae), Labcorp
Classification: Uncertain significance for Progressive myoclonic epilepsy. Last evaluated: 2022-01-12. Review status: criteria provided, single submitter. Criteria: Invitae Variant Classification Sherloc (09022015). Collection method: clinical testing. Allele origin: germline.
Comment: This sequence change replaces glutamine, which is neutral and polar, with glutamic acid, which is acidic and polar, at codon 73 of the EPM2A protein (p.Gln73Glu). This variant is not present in population databases (gnomAD no frequency). This variant has not been reported in the literature in individuals affected with EPM2A-related conditions. Algorithms developed to predict the effect of missense changes on protein structure and function are either unavailable or do not agree on the potential impact of this missense change (SIFT: "Deleterious"; PolyPhen-2: "Benign"; Align-GVGD: "Class C0"). In summary, the available evidence is currently insufficient to determine the role of this variant in disease. Therefore, it has been classified as a Variant of Uncertain Significance.